The following is an entry in ClinVar:

ClinVar aggregate classification (germline): Uncertain significance. Review status: criteria provided, multiple submitters, no conflicts (2 of 4 stars). 2 submissions from 2 submitters: Uncertain significance (2). Last evaluated 2024-04-24.

Conditions:
Primary dilated cardiomyopathy (DCM). Also called: Dilated Cardiomyopathy. Identifiers: Orphanet 217604, MedGen C0007193, MeSH D002311, MONDO:0005021, HP:0001644. Inheritance: Various modes of inheritance.

Allele frequency attached by ClinVar (database versions not stated): gnomAD exomes 0.00002 and 0.00003; ExAC 0.00003; gnomAD 0.00003; TOPMed 0.00003.
gnomAD v4.1: 46 of 1,613,092 alleles (0.0029%); highest among the groups gnomAD compares: Middle Eastern, 0.033%; no homozygotes.

Submissions (2):

Ambry Genetics
Classification: Uncertain significance. Last evaluated: 2024-04-24. Review status: criteria provided, single submitter. Criteria: Ambry Variant Classification Scheme 2023. Collection method: clinical testing. Allele origin: germline.

Labcorp Genetics (formerly Invitae), Labcorp
Classification: Uncertain significance for Primary dilated cardiomyopathy. Last evaluated: 2022-11-09. Review status: criteria provided, single submitter. Criteria: Invitae Variant Classification Sherloc (09022015). Collection method: clinical testing. Allele origin: germline.
Comment: This sequence change replaces valine, which is neutral and non-polar, with isoleucine, which is neutral and non-polar, at codon 163 of the FHL2 protein (p.Val163Ile). This variant is present in population databases (rs753660280, gnomAD 0.003%). This variant has not been reported in the literature in individuals affected with FHL2-related conditions. ClinVar contains an entry for this variant (Variation ID: 1002657). Advanced modeling of protein sequence and biophysical properties (such as structural, functional, and spatial information, amino acid conservation, physicochemical variation, residue mobility, and thermodynamic stability) performed at Invitae indicates that this missense variant is not expected to disrupt FHL2 protein function. In summary, the available evidence is currently insufficient to determine the role of this variant in disease. Therefore, it has been classified as a Variant of Uncertain Significance.

NM_001318895.3(FHL2):c.487G>A (p.Val163Ile)

Genes: C2orf49 (chromosome 2 open reading frame 49; plus strand), FHL2 (four and a half LIM domains 2; minus strand). Cytogenetic location: 2q12.2.
Variant type: single nucleotide variant.
Coding change: c.487G>A on transcript NM_001318895.3 (MANE Select); coding-DNA position 487, G replaced by A.
Protein change: p.Val163Ile; replaces valine 163 with isoleucine.
Molecular consequence: missense variant.
Genome position (GRCh38, 1-based): chr2:105,367,584, C>T on the plus strand (G>A on the coding strand, the complement: FHL2 is on the minus strand). VCF-style: chr2-105367584-C-T. GRCh37 (hg19) VCF-style: chr2-105984041-C-T.
Other names: c.487G>A (NM_201555.1); c.487G>A, p.Val163Ile (NM_001039492.3, NM_001318894.1, NM_001318896.2 and 4 more transcripts); c.145G>A, p.Val49Ile (NM_001318897.2, NM_001318898.2); c.163G>A, p.Val55Ile (NM_001318899.2); short protein forms V163I, V49I, V55I.
Identifiers: ClinVar variation 1002657 (VCV001002657.6), dbSNP rs753660280, ClinGen allele CA1814732.